The following is an entry in ClinVar:

ClinVar aggregate classification (germline): Uncertain significance. Review status: criteria provided, multiple submitters, no conflicts (2 of 4 stars). 2 submissions from 2 submitters: Uncertain significance (2). Last evaluated 2024-12-28.

Conditions:
Inborn genetic diseases. Identifiers: MedGen C0950123, MeSH D030342.

Allele frequency attached by ClinVar (database versions not stated): gnomAD exomes 0.00004 and 0.00007; gnomAD 0.00005 and 0.00006; ESP Exome Variant Server 0.00008; ExAC 0.00009; TOPMed 0.00009.

Submissions (2):

Ambry Genetics
Classification: Uncertain significance for Inborn genetic diseases. Last evaluated: 2024-12-28. Review status: criteria provided, single submitter. Criteria: Ambry Variant Classification Scheme 2023. Collection method: clinical testing. Allele origin: germline.

Labcorp Genetics (formerly Invitae), Labcorp
Classification: Uncertain significance. Last evaluated: 2022-10-04. Review status: criteria provided, single submitter. Criteria: Invitae Variant Classification Sherloc (09022015). Collection method: clinical testing. Allele origin: germline.
Comment: This sequence change replaces arginine, which is basic and polar, with cysteine, which is neutral and slightly polar, at codon 113 of the MYO18B protein (p.Arg113Cys). This variant is present in population databases (rs372231956, gnomAD 0.03%). This variant has not been reported in the literature in individuals affected with MYO18B-related conditions. ClinVar contains an entry for this variant (Variation ID: 1416132). Algorithms developed to predict the effect of missense changes on protein structure and function are either unavailable or do not agree on the potential impact of this missense change (SIFT: "Not Available"; PolyPhen-2: "Benign"; Align-GVGD: "Not Available"). In summary, the available evidence is currently insufficient to determine the role of this variant in disease. Therefore, it has been classified as a Variant of Uncertain Significance.

NM_032608.7(MYO18B):c.337C>T (p.Arg113Cys)

Gene: MYO18B (myosin XVIIIB; plus strand). Cytogenetic location: 22q12.1.
Variant type: single nucleotide variant.
Coding change: c.337C>T on transcript NM_032608.7 (MANE Select); coding-DNA position 337, C replaced by T.
Protein change: p.Arg113Cys; replaces arginine 113 with cysteine.
Molecular consequence: missense variant.
Genome position (GRCh38, 1-based): chr22:25,768,253, C>T. VCF-style: chr22-25768253-C-T. GRCh37 (hg19) VCF-style: chr22-26164220-C-T.
Other names: c.337C>T, p.Arg113Cys (NM_001318245.2); c.337C>T (NM_032608.5); short protein forms R113C.
Identifiers: ClinVar variation 1416132 (VCV001416132.5), dbSNP rs372231956, ClinGen allele CA10159554.